The following is an entry in ClinVar:

ClinVar aggregate classification (germline): Uncertain significance (1 of 4 stars; one submission).

Conditions:
Hereditary cancer-predisposing syndrome. Also called: Tumor predisposition; Hereditary Cancer Syndrome; Hereditary neoplastic syndrome; Neoplastic Syndromes, Hereditary. Identifiers: Orphanet 140162, MedGen C0027672, MeSH D009386, MONDO:0015356.

Submission:

Ambry Genetics
Classification: Uncertain significance for Hereditary cancer-predisposing syndrome. Last evaluated: 2023-12-29. Review status: criteria provided, single submitter. Criteria: Ambry Variant Classification Scheme 2023. Collection method: clinical testing. Allele origin: germline.
Comment: The p.A2308D variant (also known as c.6923C>A), located in coding exon 46 of the ATM gene, results from a C to A substitution at nucleotide position 6923. The alanine at codon 2308 is replaced by aspartic acid, an amino acid with dissimilar properties. This amino acid position is conserved. In addition, this alteration is predicted to be deleterious by in silico analysis. Since supporting evidence is limited at this time, the clinical significance of this alteration remains unclear.

NM_000051.4(ATM):c.6923C>A (p.Ala2308Asp)

Genes: ATM (ATM serine/threonine kinase; plus strand), C11orf65 (chromosome 11 open reading frame 65; minus strand). Cytogenetic location: 11q22.3.
Variant type: single nucleotide variant.
Coding change: c.6923C>A on transcript NM_000051.4 (MANE Select); coding-DNA position 6923, C replaced by A.
Protein change: p.Ala2308Asp; replaces alanine 2308 with aspartic acid.
Molecular consequence: missense variant. On other transcripts: intron variant (2).
Genome position (GRCh38, 1-based): chr11:108,326,173, C>A. VCF-style: chr11-108326173-C-A. GRCh37 (hg19) VCF-style: chr11-108196900-C-A.
Other names: c.6923C>A, p.Ala2308Asp (NM_001351834.2); c.641-17102G>T (NM_001330368.2); c.*38+9047G>T (NM_001351110.2); short protein forms A2308D.
Identifiers: ClinVar variation 3222662 (VCV003222662.1), dbSNP rs876658454, ClinGen allele CA382557100.
Genomic context (GRCh38, chr11:108,326,173, plus strand): 5'-TCTCTGAGTGGCAGCTGGAAGAAGCACAAGTATTCTGGGCAAAAAAGGAGCAGAGTCTTG[C>A]CCTGAGTATTCTCAAGCAAATGATCAAGAAGTTGGATGCCAGCTGTGCAGCGGTTTGTTT-3'
Protein context (NP_000042.3, residues 2298-2318): VFWAKKEQSL[Ala2308Asp]LSILKQMIKK